The following is an entry in ClinVar:

NM_003560.4(PLA2G6):c.966C>T (p.His322=)

Gene: PLA2G6 (phospholipase A2 group VI; minus strand). Cytogenetic location: 22q13.1.
Variant type: single nucleotide variant.
Coding change: c.966C>T on transcript NM_003560.4 (MANE Select); coding-DNA position 966, C replaced by T.
Protein change: p.His322=; no amino-acid change (histidine 322 retained).
Molecular consequence: synonymous variant.
Genome position (GRCh38, 1-based): chr22:38,132,942, G>A on the plus strand (C>T on the coding strand, the complement: PLA2G6 is on the minus strand). VCF-style: chr22-38132942-G-A. GRCh37 (hg19) VCF-style: chr22-38528949-G-A.
Other names: p.His322=; c.966C>T, p.His322= (NM_001004426.3, NM_001199562.3, NM_001349864.2 and 2 more transcripts); c.432C>T, p.His144= (NM_001349867.2, NM_001349869.2); c.288C>T, p.His96= (NM_001349868.2).
Identifiers: ClinVar variation 702998 (VCV000702998.49), dbSNP rs144033740, ClinGen allele CA10231082.
Genomic context (GRCh38, chr22:38,132,942, plus strand): 5'-GTTGGCCCCGTGGGTCAGCAGCACTATGGCACAGTCGAAGCGGTTGCGCATCACCGCCAC[G>A]TGCAGGGCCGTGTTCCCCGCGGAGCTGGTGCTGTTCACGTTGCAGCCCCGTTTCAGCAGC-3'
Protein context (NP_003551.2, residues 312-332): STSSAGNTAL[His322=]VAVMRNRFDC

ClinVar aggregate classification (germline): Conflicting classifications of pathogenicity. Review status: criteria provided, conflicting classifications (1 of 4 stars). 6 submissions from 6 submitters: Uncertain significance (1); Likely benign (5). Last evaluated 2026-01-31.

Conditions:
Infantile neuroaxonal dystrophy (NBIA2A). Also called: Infantile neuroaxonal dystrophy 1; SEITELBERGER DISEASE; NEURODEGENERATION WITH BRAIN IRON ACCUMULATION 2A. Identifiers: Orphanet 35069, MedGen C0270724, MONDO:0024457, OMIM 256600.
PLA2G6-associated neurodegeneration (PLAN). Also called: phospholipase A2-associated neurodegeneration. Identifiers: Orphanet 329303, MedGen CN204472, MONDO:0017998.

Allele frequency attached by ClinVar (database versions not stated): gnomAD exomes 0.00040; gnomAD 0.00041 and 0.00044; ExAC 0.00058; TOPMed 0.00059; ESP Exome Variant Server 0.00062.
gnomAD v4.1: 1,282 of 1,562,166 alleles (0.082%); highest among the groups gnomAD compares: Non-Finnish European, 0.1%; 2 homozygotes.

Submissions (6):

Labcorp Genetics (formerly Invitae), Labcorp
Classification: Likely benign for Infantile neuroaxonal dystrophy. Last evaluated: 2026-01-31. Review status: criteria provided, single submitter. Criteria: Invitae Variant Classification Sherloc (09022015). Collection method: clinical testing. Allele origin: germline.

CeGaT Center for Human Genetics Tuebingen
Classification: Likely benign. Last evaluated: 2026-01-01. Review status: criteria provided, single submitter. Criteria: CeGaT Center For Human Genetics Tuebingen Variant Classification Criteria Version 2. Collection method: clinical testing. Allele origin: germline. Affected: yes. Observed: 4 variant alleles.
Comment: PLA2G6: BP4, BP7

Mayo Clinic Laboratories, Mayo Clinic
Classification: Likely benign. Last evaluated: 2025-11-13. Review status: criteria provided, single submitter. Criteria: ACMG Guidelines, 2015. Collection method: clinical testing. Allele origin: germline. Observed: 8 variant alleles.
Comment: BP4, BP7

Athena Diagnostics
Classification: Likely benign. Last evaluated: 2020-10-28. Review status: criteria provided, single submitter. Criteria: Athena Diagnostics criteria. Collection method: clinical testing. Allele origin: unknown.

GeneDx
Classification: Likely benign. Last evaluated: 2020-07-21. Review status: criteria provided, single submitter. Criteria: GeneDx Variant Classification Process June 2021. Collection method: clinical testing. Allele origin: germline. Affected: yes.

Illumina Laboratory Services, Illumina
Classification: Uncertain significance for PLA2G6-associated neurodegeneration. Last evaluated: 2017-04-28. Review status: criteria provided, single submitter. Criteria: ICSL Variant Classification Criteria 13 December 2019. Collection method: clinical testing. Allele origin: germline.
Comment: This variant was observed as part of a predisposition screen in an ostensibly healthy population. A literature search was performed for the gene, cDNA change, and amino acid change (where applicable). Publications were found based on this search. However, the evidence from the literature, in combination with allele frequency data from public databases where available, was not sufficient to rule this variant in or out of causing disease. Therefore, this variant is classified as a variant of unknown significance.

Literature cited by the submitters: PubMed 21812034 (cited by Athena Diagnostics and Illumina Laboratory Services, Illumina).